The following is an entry in ClinVar:

NM_003743.5(NCOA1):c.3282G>A (p.Met1094Ile)

Gene: NCOA1 (nuclear receptor coactivator 1; plus strand). Cytogenetic location: 2p23.3.
Variant type: single nucleotide variant.
Coding change: c.3282G>A on transcript NM_003743.5 (MANE Select); coding-DNA position 3282, G replaced by A.
Protein change: p.Met1094Ile; replaces methionine 1094 with isoleucine.
Molecular consequence: missense variant.
Genome position (GRCh38, 1-based): chr2:24,739,512, G>A. VCF-style: chr2-24739512-G-A. GRCh37 (hg19) VCF-style: chr2-24962381-G-A.
Other names: c.3282G>A, p.Met1094Ile (NM_001362950.1, NM_001362952.1, NM_001362954.1 and 3 more transcripts); short protein forms M1094I.
Identifiers: ClinVar variation 4985168 (VCV004985168.1).

ClinVar aggregate classification (germline): Uncertain significance (1 of 4 stars; one submission).

Conditions:
NCOA1-related disorder. Also called: NCOA1-related condition.

Submission:

PreventionGenetics, part of Exact Sciences
Classification: Uncertain significance for NCOA1-related condition. Last evaluated: 2026-09-02. Review status: criteria provided, single submitter. Criteria: ACMG Guidelines, 2015. Collection method: clinical testing. Allele origin: germline.
Comment: The NCOA1 c.3282G>A variant is predicted to result in the amino acid substitution p.Met1094Ile. To our knowledge, this variant has not been reported in the literature or in a large population database (gnomAD), indicating this variant is rare. At this time, the clinical significance of this variant is uncertain due to the absence of conclusive functional and genetic evidence.